The following is an entry in ClinVar:

NM_004336.5(BUB1):c.1384G>T (p.Val462Leu)

Gene: BUB1 (BUB1 mitotic checkpoint serine/threonine kinase; minus strand). Cytogenetic location: 2q13.
Variant type: single nucleotide variant.
Coding change: c.1384G>T on transcript NM_004336.5 (MANE Select); coding-DNA position 1384, G replaced by T.
Protein change: p.Val462Leu; replaces valine 462 with leucine.
Molecular consequence: missense variant.
Genome position (GRCh38, 1-based): chr2:110,658,635, C>A on the plus strand (G>T on the coding strand, the complement: BUB1 is on the minus strand). VCF-style: chr2-110658635-C-A. GRCh37 (hg19) VCF-style: chr2-111416212-C-A.
Other names: c.1324G>T, p.Val442Leu (NM_001278616.2); c.1384G>T, p.Val462Leu (NM_001278617.2); short protein forms V462L, V442L.
Identifiers: ClinVar variation 1771362 (VCV001771362.3), dbSNP rs766709323, ClinGen allele CA348212546.

ClinVar aggregate classification (germline): Uncertain significance (1 of 4 stars; one submission).

gnomAD v4.1: 3 of 1,614,174 alleles (0.00019%); highest among the groups gnomAD compares: Non-Finnish European, 0.00025%; no homozygotes.

Submission:

Ambry Genetics
Classification: Uncertain significance. Last evaluated: 2022-04-19. Review status: criteria provided, single submitter. Criteria: Ambry Variant Classification Scheme 2023. Collection method: clinical testing. Allele origin: germline.
Comment: The p.V462L variant (also known as c.1384G>T), located in coding exon 12 of the BUB1 gene, results from a G to T substitution at nucleotide position 1384. The valine at codon 462 is replaced by leucine, an amino acid with highly similar properties. This amino acid position is conserved. In addition, the in silico prediction for this alteration is inconclusive. Since supporting evidence is limited at this time, the clinical significance of this alteration remains unclear.